The following is an entry in ClinVar:

NM_001243133.2(NLRP3):c.91C>T (p.Pro31Ser)

Gene: NLRP3 (NLR family pyrin domain containing 3; plus strand). Cytogenetic location: 1q44.
Variant type: single nucleotide variant.
Coding change: c.91C>T on transcript NM_001243133.2 (MANE Select); coding-DNA position 91, C replaced by T.
Protein change: p.Pro31Ser; replaces proline 31 with serine.
Molecular consequence: missense variant.
Genome position (GRCh38, 1-based): chr1:247,418,891, C>T. VCF-style: chr1-247418891-C-T. GRCh37 (hg19) VCF-style: chr1-247582193-C-T.
Other names: c.91C>T, p.Pro31Ser (NM_001079821.3, NM_001127461.3, NM_001127462.3 and 1 more transcripts); c.97C>T, p.Pro33Ser (NM_004895.5); short protein forms P31S, P33S.
Identifiers: ClinVar variation 2696987 (VCV002696987.3), dbSNP rs755009444, ClinGen allele CA1494745.
Genomic context (GRCh38, chr1:247,418,891, plus strand): 5'-TACCTGGAGGACCTGGAGGATGTGGACTTGAAGAAATTTAAGATGCACTTAGAGGACTAT[C>T]CTCCCCAGAAGGGCTGCATCCCCCTCCCGAGGGGTCAGACAGAGAAGGCAGACCATGTGG-3'
Protein context (NP_001230062.1, residues 21-41): KKFKMHLEDY[Pro31Ser]PQKGCIPLPR

ClinVar aggregate classification (germline): Uncertain significance (1 of 4 stars; one submission).

Conditions:
Cryopyrin associated periodic syndrome (CAPS). Identifiers: Orphanet 208650, MedGen C2316212, MONDO:0016168.

Allele frequency attached by ClinVar (database versions not stated): gnomAD exomes below 0.00001; ExAC 0.00001.
gnomAD v4.1: 1 of 1,614,104 alleles (0.000062%); highest among the groups gnomAD compares: Non-Finnish European, 0.000085%; no homozygotes.

Submission:

Labcorp Genetics (formerly Invitae), Labcorp
Classification: Uncertain significance for Cryopyrin associated periodic syndrome. Last evaluated: 2023-06-06. Review status: criteria provided, single submitter. Criteria: Invitae Variant Classification Sherloc (09022015). Collection method: clinical testing. Allele origin: germline.
Comment: In summary, the available evidence is currently insufficient to determine the role of this variant in disease. Therefore, it has been classified as a Variant of Uncertain Significance. Advanced modeling of protein sequence and biophysical properties (such as structural, functional, and spatial information, amino acid conservation, physicochemical variation, residue mobility, and thermodynamic stability) has been performed at Invitae for this missense variant, however the output from this modeling did not meet the statistical confidence thresholds required to predict the impact of this variant on NLRP3 protein function. This variant has not been reported in the literature in individuals affected with NLRP3-related conditions. The frequency data for this variant in the population databases is considered unreliable, as metrics indicate poor data quality at this position in the gnomAD database. This sequence change replaces proline, which is neutral and non-polar, with serine, which is neutral and polar, at codon 33 of the NLRP3 protein (p.Pro33Ser).